The following is an entry in ClinVar:

NM_004385.5(VCAN):c.5285C>T (p.Ala1762Val)

Genes: VCAN (versican; plus strand), VCAN-AS1 (VCAN antisense RNA 1; minus strand). Cytogenetic location: 5q14.3.
Variant type: single nucleotide variant.
Coding change: c.5285C>T on transcript NM_004385.5 (MANE Select); coding-DNA position 5285, C replaced by T.
Protein change: p.Ala1762Val; replaces alanine 1762 with valine.
Molecular consequence: missense variant. On other transcripts: intron variant (2).
Genome position (GRCh38, 1-based): chr5:83,538,288, C>T. VCF-style: chr5-83538288-C-T. GRCh37 (hg19) VCF-style: chr5-82834107-C-T.
Other names: c.2324C>T, p.Ala775Val (NM_001164097.2); c.4004-7249C>T (NM_001164098.2); c.1043-7249C>T (NM_001126336.3); short protein forms A1762V, A775V.
Identifiers: ClinVar variation 3624079 (VCV003624079.2).

ClinVar aggregate classification (germline): Uncertain significance (1 of 4 stars; one submission).

gnomAD v4.1: 15 of 1,614,026 alleles (0.00093%); highest among the groups gnomAD compares: Admixed American, 0.0017%; no homozygotes.

Submission:

Labcorp Genetics (formerly Invitae), Labcorp
Classification: Uncertain significance. Last evaluated: 2024-04-18. Review status: criteria provided, single submitter. Criteria: Invitae Variant Classification Sherloc (09022015). Collection method: clinical testing. Allele origin: germline.
Comment: This sequence change replaces alanine, which is neutral and non-polar, with valine, which is neutral and non-polar, at codon 1762 of the VCAN protein (p.Ala1762Val). This variant is present in population databases (rs757497748, gnomAD 0.003%). This variant has not been reported in the literature in individuals affected with VCAN-related conditions. Algorithms developed to predict the effect of missense changes on protein structure and function output the following: SIFT: "Not Available"; PolyPhen-2: "Benign"; Align-GVGD: "Not Available". The valine amino acid residue is found in multiple mammalian species, which suggests that this missense change does not adversely affect protein function. In summary, the available evidence is currently insufficient to determine the role of this variant in disease. Therefore, it has been classified as a Variant of Uncertain Significance.